The following is an entry in ClinVar:

ClinVar aggregate classification (germline): Uncertain significance. Review status: criteria provided, single submitter (1 of 4 stars). 2 submissions from 2 submitters: Uncertain significance (1). 1 of the submissions does not count toward it. Last evaluated 2024-03-12.

Conditions:
TSHZ3-related disorder. Also called: TSHZ3-related condition.
Congenital anomaly of kidney and urinary tract. Also called: Congenital anomalies of the kidney and urinary tract; Congenital anomalies of kidney and urinary tract. Identifiers: Orphanet 93545, MedGen C1968949, MeSH C566906, MONDO:0019719.

Allele frequency attached by ClinVar (database versions not stated): ExAC 0.00114; ESP Exome Variant Server 0.00115; 1000 Genomes Project 0.00120; gnomAD exomes 0.00122; 1000 Genomes Project 30x 0.00125; gnomAD 0.00192; TOPMed 0.00234.
gnomAD v4.1: 2,094 of 1,611,518 alleles (0.13%); highest among the groups gnomAD compares: Admixed American, 0.54%; 4 homozygotes.

Submissions (2):

Weber Lab, Hannover Medical School
Classification: Uncertain significance for Congenital anomaly of kidney and urinary tract. Last evaluated: 2024-03-12. Review status: criteria provided, single submitter. Criteria: ACMG Guidelines, 2015. Collection method: research. Allele origin: germline. Affected: yes.

PreventionGenetics, part of Exact Sciences
Classification: Likely benign for TSHZ3-related condition. Last evaluated: 2023-11-27. Review status: no assertion criteria provided. Collection method: clinical testing. Allele origin: germline. Not counted in ClinVar's aggregate classification.
Comment: This variant is classified as likely benign based on ACMG/AMP sequence variant interpretation guidelines (Richards et al. 2015 PMID: 25741868, with internal and published modifications).

Literature cited by the submitters: PubMed 39420202 (cited by Weber Lab, Hannover Medical School).

NM_020856.4(TSHZ3):c.193G>A (p.Ala65Thr)

Gene: TSHZ3 (teashirt zinc finger homeobox 3; minus strand). Cytogenetic location: 19q12.
Variant type: single nucleotide variant.
Coding change: c.193G>A on transcript NM_020856.4 (MANE Select); coding-DNA position 193, G replaced by A.
Protein change: p.Ala65Thr; replaces alanine 65 with threonine.
Molecular consequence: missense variant.
Genome position (GRCh38, 1-based): chr19:31,279,600, C>T on the plus strand (G>A on the coding strand, the complement: TSHZ3 is on the minus strand). VCF-style: chr19-31279600-C-T. GRCh37 (hg19) VCF-style: chr19-31770506-C-T.
Other names: short protein forms A65T.
Identifiers: ClinVar variation 3039201 (VCV003039201.4), dbSNP rs111618794, ClinGen allele CA9354523.